The following is an entry in ClinVar:

NM_003773.5(HYAL2):c.390G>A (p.Ala130=)

Gene: HYAL2 (hyaluronidase 2; minus strand). Cytogenetic location: 3p21.31.
Variant type: single nucleotide variant.
Coding change: c.390G>A on transcript NM_003773.5 (MANE Select); coding-DNA position 390, G replaced by A.
Protein change: p.Ala130=; no amino-acid change (alanine 130 retained).
Molecular consequence: synonymous variant.
Genome position (GRCh38, 1-based): chr3:50,320,100, C>T on the plus strand (G>A on the coding strand, the complement: HYAL2 is on the minus strand). VCF-style: chr3-50320100-C-T. GRCh37 (hg19) VCF-style: chr3-50357531-C-T.
Other names: c.390G>A, p.Ala130= (NM_033158.5).
Identifiers: ClinVar variation 4083873 (VCV004083873.8).

ClinVar aggregate classification (germline): Likely benign (1 of 4 stars; one submission).

Submission:

CeGaT Center for Human Genetics Tuebingen
Classification: Likely benign. Last evaluated: 2025-07-01. Review status: criteria provided, single submitter. Criteria: CeGaT Center For Human Genetics Tuebingen Variant Classification Criteria Version 2. Collection method: clinical testing. Allele origin: germline. Affected: yes. Observed: 1 variant allele.
Comment: HYAL2: BP4, BP7